The following is an entry in ClinVar:

NM_018139.3(DNAAF2):c.1510C>T (p.Gln504Ter)

Gene: DNAAF2 (dynein axonemal assembly factor 2; minus strand). Cytogenetic location: 14q21.3.
Variant type: single nucleotide variant.
Coding change: c.1510C>T on transcript NM_018139.3 (MANE Select); coding-DNA position 1510, C replaced by T.
Protein change: p.Gln504Ter; replaces glutamine 504 with a stop codon.
Molecular consequence: nonsense. On other transcripts: 5 prime UTR variant (1).
Genome position (GRCh38, 1-based): chr14:49,633,640, G>A on the plus strand (C>T on the coding strand, the complement: DNAAF2 is on the minus strand). VCF-style: chr14-49633640-G-A. GRCh37 (hg19) VCF-style: chr14-50100358-G-A.
Other names: c.1510C>T, p.Gln504Ter (NM_001083908.2); c.-362C>T (NM_001378453.1); short protein forms Q504*.
Identifiers: ClinVar variation 2039186 (VCV002039186.4), dbSNP rs748693944, ClinGen allele CA7172895.

ClinVar aggregate classification (germline): Pathogenic/Likely pathogenic. Review status: criteria provided, multiple submitters, no conflicts (2 of 4 stars). 2 submissions from 2 submitters: Pathogenic (1); Likely pathogenic (1). Last evaluated 2024-10-16.

Conditions:
Primary ciliary dyskinesia 10. Also called: CILIARY DYSKINESIA, PRIMARY, 10, WITH OR WITHOUT SITUS INVERSUS. Identifiers: Orphanet 244, MedGen C2675867, MONDO:0012918, OMIM 612518.
Primary ciliary dyskinesia. Also called: Ciliary dyskinesia. Identifiers: Orphanet 244, MedGen C0008780, MONDO:0016575, HP:0012265.

Allele frequency attached by ClinVar (database versions not stated): gnomAD 0.00001; gnomAD exomes 0.00001; TOPMed 0.00002; ExAC 0.00003.
gnomAD v4.1: 21 of 1,612,812 alleles (0.0013%); highest among the groups gnomAD compares: Admixed American, 0.022%; no homozygotes.

Submissions (2):

Labcorp Genetics (formerly Invitae), Labcorp
Classification: Pathogenic for Primary ciliary dyskinesia. Last evaluated: 2024-10-16. Review status: criteria provided, single submitter. Criteria: Invitae Variant Classification Sherloc (09022015). Collection method: clinical testing. Allele origin: germline.
Comment: This sequence change creates a premature translational stop signal (p.Gln504*) in the DNAAF2 gene. It is expected to result in an absent or disrupted protein product. Loss-of-function variants in DNAAF2 are known to be pathogenic (PMID: 19052621, 24498942). This variant is present in population databases (rs748693944, gnomAD 0.01%). This variant has not been reported in the literature in individuals affected with DNAAF2-related conditions. ClinVar contains an entry for this variant (Variation ID: 2039186). For these reasons, this variant has been classified as Pathogenic.

ARUP Laboratories, Molecular Genetics and Genomics, ARUP Laboratories
Classification: Likely pathogenic for Primary ciliary dyskinesia 10. Last evaluated: 2023-10-12. Review status: criteria provided, single submitter. Criteria: ARUP Molecular Germline Variant Investigation Process 2024. Collection method: clinical testing. Allele origin: germline.
Comment: The DNAAF2 c.1510C>T; p.Gln504Ter variant (rs748693944), to our knowledge, is not reported in the medical literature but is reported in ClinVar (Variation ID: 2039186). This variant is found in the general population with an overall allele frequency of 0.004% (11/281,176 alleles) in the Genome Aggregation Database. This variant induces an early termination codon and is predicted to result in a truncated protein or mRNA subject to nonsense-mediated decay. Based on available information, this variant is considered to be likely pathogenic.

Literature cited by the submitters: PubMed 19052621 (cited by Labcorp Genetics (formerly Invitae), Labcorp); PubMed 24498942 (cited by Labcorp Genetics (formerly Invitae), Labcorp).